The following is an entry in ClinVar:

NM_005120.3(MED12):c.5197C>T (p.Arg1733Trp)

Gene: MED12 (mediator complex subunit 12; plus strand). Cytogenetic location: Xq13.1.
Variant type: single nucleotide variant.
Coding change: c.5197C>T on transcript NM_005120.3 (MANE Select); coding-DNA position 5197, C replaced by T.
Protein change: p.Arg1733Trp; replaces arginine 1733 with tryptophan.
Molecular consequence: missense variant.
Genome position (GRCh38, 1-based): chrX:71,136,452, C>T. VCF-style: chrX-71136452-C-T. GRCh37 (hg19) VCF-style: chrX-70356302-C-T.
Other names: short protein forms R1733W.
Identifiers: ClinVar variation 2430729 (VCV002430729.1), dbSNP rs2147826384, ClinGen allele CA413534431.

ClinVar aggregate classification (germline): Uncertain significance (1 of 4 stars; one submission).

Allele frequency attached by ClinVar (database versions not stated): gnomAD exomes below 0.00001.
gnomAD v4.1: 4 of 1,209,241 alleles (0.00033%); highest among the groups gnomAD compares: Non-Finnish European, 0.00034%; no homozygotes.

Submission:

GeneDx
Classification: Uncertain significance. Last evaluated: 2022-08-18. Review status: criteria provided, single submitter. Criteria: GeneDx Variant Classification Process June 2021. Collection method: clinical testing. Allele origin: germline. Affected: yes.
Comment: Not observed at significant frequency in large population cohorts (gnomAD); In silico analysis supports that this missense variant has a deleterious effect on protein structure/function; Has not been previously published as pathogenic or benign to our knowledge